The following is an entry in ClinVar:

NM_019042.5(PUS7):c.843-1G>A

Gene: PUS7 (pseudouridine synthase 7; minus strand). Cytogenetic location: 7q22.3.
Variant type: single nucleotide variant.
Coding change: c.843-1G>A on transcript NM_019042.5 (MANE Select); the canonical splice acceptor site of the intron before coding-DNA position 843, G replaced by A.
Molecular consequence: splice acceptor variant.
Genome position (GRCh38, 1-based): chr7:105,491,618, C>T on the plus strand (G>A on the coding strand, the complement: PUS7 is on the minus strand). VCF-style: chr7-105491618-C-T. GRCh37 (hg19) VCF-style: chr7-105132065-C-T.
Other names: c.861-1G>A (NM_001318163.1); c.843-1G>A (NM_001318164.2).
Identifiers: ClinVar variation 2501667 (VCV002501667.1), dbSNP rs2484922041, ClinGen allele CA368793666.

ClinVar aggregate classification (germline): Likely pathogenic (1 of 4 stars; one submission).

Conditions:
Intellectual developmental disorder with abnormal behavior, microcephaly, and short stature. Identifiers: MedGen C5193039, MONDO:0032687, OMIM 618342.

Submission:

Lifecell International Pvt. Ltd
Classification: Likely pathogenic for Intellectual developmental disorder with abnormal behavior, microcephaly, and short stature. Review status: criteria provided, single submitter. Criteria: ACMG Guidelines, 2015. Collection method: clinical testing. Allele origin: germline. Inheritance: Autosomal recessive inheritance. Affected: yes. Observed: 1 compound heterozygote.
Comment: A Heterozygous Splice site acceptor variant c.843-1G>A in Exon 6 of the PUS7 gene that results in the amino acid substitution was identified. The observed variant is novel in gnomAD exomes and genomes, respectively. The severity of the impact of this variant on the protein is high, based on the effect of the protein and REVEL score . Rare Exome Variant Ensemble Learner (REVEL) is an ensembl method for predicting the pathogenicity of missense variants based on a combination of scores from 13 individual tools: MutPred, FATHMM v2.3, VEST 3.0, PolyPhen-2, SIFT, PROVEAN, MutationAssessor, MutationTaster, LRT, GERP++, SiPhy, phyloP, and phastCons. The REVEL score for an individual missense variant can range from 0 to 1, with higher scores reflecting greater likelihood that the variant is disease-causing. For these reasons, this variant has been classified as Likely Pathogenic.